The following is an entry in ClinVar:

NM_015338.6(ASXL1):c.199G>A (p.Gly67Arg)

Gene: ASXL1 (ASXL transcriptional regulator 1; plus strand). Cytogenetic location: 20q11.21.
Variant type: single nucleotide variant.
Coding change: c.199G>A on transcript NM_015338.6 (MANE Select); coding-DNA position 199, G replaced by A.
Protein change: p.Gly67Arg; replaces glycine 67 with arginine.
Molecular consequence: missense variant.
Genome position (GRCh38, 1-based): chr20:32,369,070, G>A. VCF-style: chr20-32369070-G-A. GRCh37 (hg19) VCF-style: chr20-30956873-G-A.
Other names: c.199G>A, p.Gly67Arg (NM_001164603.1); c.169G>A, p.Gly57Arg (NM_001363734.1); short protein forms G57R, G67R.
Identifiers: ClinVar variation 2801839 (VCV002801839.3), dbSNP rs2048253264, ClinGen allele CA408579655.

ClinVar aggregate classification (germline): Uncertain significance (1 of 4 stars; one submission).

Allele frequency attached by ClinVar (database versions not stated): gnomAD exomes below 0.00001; TOPMed below 0.00001.
gnomAD v4.1: 1 of 1,614,108 alleles (0.000062%); highest among the groups gnomAD compares: Non-Finnish European, 0.000085%; no homozygotes.

Submission:

Labcorp Genetics (formerly Invitae), Labcorp
Classification: Uncertain significance. Last evaluated: 2025-03-17. Review status: criteria provided, single submitter. Criteria: Invitae Variant Classification Sherloc (09022015). Collection method: clinical testing. Allele origin: germline.
Comment: This sequence change replaces glycine, which is neutral and non-polar, with arginine, which is basic and polar, at codon 67 of the ASXL1 protein (p.Gly67Arg). This variant is not present in population databases (gnomAD no frequency). This variant has not been reported in the literature in individuals affected with ASXL1-related conditions. ClinVar contains an entry for this variant (Variation ID: 2801839). An algorithm developed to predict the effect of missense changes on protein structure and function (PolyPhen-2) suggests that this variant is likely to be disruptive. In summary, the available evidence is currently insufficient to determine the role of this variant in disease. Therefore, it has been classified as a Variant of Uncertain Significance.